The following is an entry in ClinVar:

NM_001184.4(ATR):c.495G>A (p.Met165Ile)

Gene: ATR (ATR checkpoint kinase; minus strand). Cytogenetic location: 3q23.
Variant type: single nucleotide variant.
Coding change: c.495G>A on transcript NM_001184.4 (MANE Select); coding-DNA position 495, G replaced by A.
Protein change: p.Met165Ile; replaces methionine 165 with isoleucine.
Molecular consequence: missense variant.
Genome position (GRCh38, 1-based): chr3:142,562,907, C>T on the plus strand (G>A on the coding strand, the complement: ATR is on the minus strand). VCF-style: chr3-142562907-C-T. GRCh37 (hg19) VCF-style: chr3-142281749-C-T.
Other names: c.495G>A, p.Met165Ile (NM_001354579.2); short protein forms M165I.
Identifiers: ClinVar variation 2710924 (VCV002710924.3), dbSNP rs2034935805, ClinGen allele CA354826735.

ClinVar aggregate classification (germline): Uncertain significance (1 of 4 stars; one submission).

Allele frequency attached by ClinVar (database versions not stated): TOPMed below 0.00001.

Submission:

Labcorp Genetics (formerly Invitae), Labcorp
Classification: Uncertain significance. Last evaluated: 2024-01-24. Review status: criteria provided, single submitter. Criteria: Invitae Variant Classification Sherloc (09022015). Collection method: clinical testing. Allele origin: germline.
Comment: This sequence change replaces methionine, which is neutral and non-polar, with isoleucine, which is neutral and non-polar, at codon 165 of the ATR protein (p.Met165Ile). This variant is not present in population databases (gnomAD no frequency). This variant has not been reported in the literature in individuals affected with ATR-related conditions. An algorithm developed to predict the effect of missense changes on protein structure and function (PolyPhen-2) suggests that this variant is likely to be tolerated. In summary, the available evidence is currently insufficient to determine the role of this variant in disease. Therefore, it has been classified as a Variant of Uncertain Significance.